The following is an entry in ClinVar:

NM_000179.3(MSH6):c.3401dup (p.Pro1135fs)

Gene: MSH6 (mutS homolog 6; plus strand). Cytogenetic location: 2p16.3.
Variant type: Duplication.
Coding change: c.3401dup on transcript NM_000179.3 (MANE Select); coding-DNA position 3401, one base duplicated (G; older notation c.3401dupG).
Protein change: p.Pro1135fs; shifts the reading frame from proline 1135.
Molecular consequence: frameshift variant.
Genome position (GRCh38, 1-based): chr2:47,803,648, G duplicated; the last of 2 consecutive G bases (chr2:47,803,647-47,803,648); duplicating either gives the same sequence. VCF-style (leftmost placement, unchanged base first): chr2-47803646-T-TG. GRCh37 (hg19) VCF-style: chr2-48030785-T-TG.
Other names: c.3011dup, p.Pro1005fs (NM_001281492.2); c.2495dup, p.Pro833fs (NM_001281493.2, NM_001281494.2); c.3497dup, p.Pro1167Thrfs (NM_001406795.1, NM_001406802.1); c.3401dup, p.Pro1135Thrfs (NM_001406796.1, NM_001406800.1, NM_001406808.1 and 1 more transcripts); c.3104dup, p.Pro1036Thrfs (NM_001406797.1, NM_001406801.1, NM_001406805.1 and 10 more transcripts); c.3227dup, p.Pro1077Thrfs (NM_001406798.1); c.2876dup, p.Pro960Thrfs (NM_001406799.1, NM_001406806.1, NM_001406807.1); c.2537dup, p.Pro847Thrfs (NM_001406803.1); and 8 more; short protein forms P1005fs, P1135fs, P833fs.
Identifiers: ClinVar variation 2027013 (VCV002027013.4), dbSNP rs2530774334, ClinGen allele CA2580067101.

ClinVar aggregate classification (germline): Pathogenic (1 of 4 stars; one submission).

Conditions:
Hereditary nonpolyposis colorectal neoplasms. Identifiers: MedGen C0009405, MeSH D003123.

Submission:

Labcorp Genetics (formerly Invitae), Labcorp
Classification: Pathogenic for Hereditary nonpolyposis colorectal neoplasms. Last evaluated: 2022-08-25. Review status: criteria provided, single submitter. Criteria: Invitae Variant Classification Sherloc (09022015). Collection method: clinical testing. Allele origin: germline.
Comment: For these reasons, this variant has been classified as Pathogenic. This variant has not been reported in the literature in individuals affected with MSH6-related conditions. This variant is not present in population databases (gnomAD no frequency). This sequence change creates a premature translational stop signal (p.Pro1135Thrfs*29) in the MSH6 gene. It is expected to result in an absent or disrupted protein product. Loss-of-function variants in MSH6 are known to be pathogenic (PMID: 18269114, 24362816).

Literature cited by the submitters: PubMed 18269114; PubMed 24362816.